The following is an entry in ClinVar:

ClinVar aggregate classification (germline): Uncertain significance (1 of 4 stars; one submission).

gnomAD v4.1: 2 of 1,612,766 alleles (0.00012%); highest among the groups gnomAD compares: African/African-American, 0.0013%; no homozygotes.

Submission:

Labcorp Genetics (formerly Invitae), Labcorp
Classification: Uncertain significance. Last evaluated: 2025-03-30. Review status: criteria provided, single submitter. Criteria: Invitae Variant Classification Sherloc (09022015). Collection method: clinical testing. Allele origin: germline.
Comment: This sequence change replaces proline, which is neutral and non-polar, with leucine, which is neutral and non-polar, at codon 835 of the ROR2 protein (p.Pro835Leu). This variant is not present in population databases (gnomAD no frequency). This variant has not been reported in the literature in individuals affected with ROR2-related conditions. Invitae Evidence Modeling of protein sequence and biophysical properties (such as structural, functional, and spatial information, amino acid conservation, physicochemical variation, residue mobility, and thermodynamic stability) indicates that this missense variant is not expected to disrupt ROR2 protein function with a negative predictive value of 95%. In summary, the available evidence is currently insufficient to determine the role of this variant in disease. Therefore, it has been classified as a Variant of Uncertain Significance.

NM_004560.4(ROR2):c.2504C>T (p.Pro835Leu)

Gene: ROR2 (receptor tyrosine kinase like orphan receptor 2; minus strand). Cytogenetic location: 9q22.31.
Variant type: single nucleotide variant.
Coding change: c.2504C>T on transcript NM_004560.4 (MANE Select); coding-DNA position 2504, C replaced by T.
Protein change: p.Pro835Leu; replaces proline 835 with leucine.
Molecular consequence: missense variant.
Genome position (GRCh38, 1-based): chr9:91,723,990, G>A on the plus strand (C>T on the coding strand, the complement: ROR2 is on the minus strand). VCF-style: chr9-91723990-G-A. GRCh37 (hg19) VCF-style: chr9-94486272-G-A.
Other names: short protein forms P835L.
Identifiers: ClinVar variation 4770435 (VCV004770435.1).